The following is an entry in ClinVar:

NM_006118.4(HAX1):c.377G>C (p.Arg126Pro)

Gene: HAX1 (HCLS1 associated protein X-1; plus strand). Cytogenetic location: 1q21.3.
Variant type: single nucleotide variant.
Coding change: c.377G>C on transcript NM_006118.4 (MANE Select); coding-DNA position 377, G replaced by C.
Protein change: p.Arg126Pro; replaces arginine 126 with proline.
Molecular consequence: missense variant.
Genome position (GRCh38, 1-based): chr1:154,273,834, G>C. VCF-style: chr1-154273834-G-C. GRCh37 (hg19) VCF-style: chr1-154246310-G-C.
Other names: c.233G>C, p.Arg78Pro (NM_001018837.2); short protein forms R126P, R78P.
Identifiers: ClinVar variation 5022584 (VCV005022584.1).

ClinVar aggregate classification (germline): Uncertain significance (1 of 4 stars; one submission).

Conditions:
Inborn genetic diseases. Identifiers: MedGen C0950123, MeSH D030342.

gnomAD v4.1: 1 of 1,614,056 alleles (0.000062%); highest among the groups gnomAD compares: Non-Finnish European, 0.000085%; no homozygotes.

Submission:

Ambry Genetics
Classification: Uncertain significance for Inborn genetic diseases. Last evaluated: 2026-08-01. Review status: criteria provided, single submitter. Criteria: Ambry Variant Classification Scheme 2023. Collection method: clinical testing. Allele origin: germline.
Comment: The p.R126P variant (also known as c.377G>C), located in coding exon 3 of the HAX1 gene, results from a G to C substitution at nucleotide position 377. The arginine at codon 126 is replaced by proline, an amino acid with dissimilar properties. This amino acid position is conserved. In addition, the in silico prediction for this alteration is inconclusive. Based on the available evidence, the clinical significance of this variant remains unclear.